The following is an entry in ClinVar:

ClinVar aggregate classification (germline): Uncertain significance (1 of 4 stars; one submission).

Allele frequency attached by ClinVar (database versions not stated): gnomAD exomes below 0.00001.
gnomAD v4.1: 3 of 1,613,864 alleles (0.00019%); highest among the groups gnomAD compares: Non-Finnish European, 0.00025%; no homozygotes.

Submission:

Labcorp Genetics (formerly Invitae), Labcorp
Classification: Uncertain significance. Last evaluated: 2022-12-25. Review status: criteria provided, single submitter. Criteria: Invitae Variant Classification Sherloc (09022015). Collection method: clinical testing. Allele origin: germline.
Comment: This sequence change replaces arginine, which is basic and polar, with tryptophan, which is neutral and slightly polar, at codon 103 of the RIMS1 protein (p.Arg103Trp). This variant is not present in population databases (gnomAD no frequency). This variant has not been reported in the literature in individuals affected with RIMS1-related conditions. Algorithms developed to predict the effect of missense changes on protein structure and function are either unavailable or do not agree on the potential impact of this missense change (SIFT: "Deleterious"; PolyPhen-2: "Probably Damaging"; Align-GVGD: "Class C0"). In summary, the available evidence is currently insufficient to determine the role of this variant in disease. Therefore, it has been classified as a Variant of Uncertain Significance.

NM_014989.7(RIMS1):c.307C>T (p.Arg103Trp)

Gene: RIMS1 (regulating synaptic membrane exocytosis 1; plus strand). Cytogenetic location: 6q13.
Variant type: single nucleotide variant.
Coding change: c.307C>T on transcript NM_014989.7 (MANE Select); coding-DNA position 307, C replaced by T.
Protein change: p.Arg103Trp; replaces arginine 103 with tryptophan.
Molecular consequence: missense variant.
Genome position (GRCh38, 1-based): chr6:72,097,010, C>T. VCF-style: chr6-72097010-C-T. GRCh37 (hg19) VCF-style: chr6-72806713-C-T.
Other names: c.226C>T, p.Arg76Trp (NM_001350412.1); c.307C>T, p.Arg103Trp (NM_001350413.1); c.304C>T, p.Arg102Trp (NM_001350411.1); short protein forms R102W, R76W, R103W.
Identifiers: ClinVar variation 2957286 (VCV002957286.3), dbSNP rs2153804147, ClinGen allele CA364822471.